The following is an entry in ClinVar:

ClinVar aggregate classification (germline): Likely benign. Review status: criteria provided, single submitter (1 of 4 stars). 2 submissions from 2 submitters: Likely benign (1). 1 of the submissions does not count toward it. Last evaluated 2025-07-27.

Conditions:
KIDINS220-related disorder. Also called: KIDINS220-related condition.

Allele frequency attached by ClinVar (database versions not stated): 1000 Genomes Project 30x 0.00016; TOPMed 0.00017; 1000 Genomes Project 0.00020; ExAC 0.00030; gnomAD exomes 0.00033.
gnomAD v4.1: 172 of 1,614,160 alleles (0.011%); highest among the groups gnomAD compares: East Asian, 0.22%; 1 homozygote.

Submissions (2):

Labcorp Genetics (formerly Invitae), Labcorp
Classification: Likely benign. Last evaluated: 2025-07-27. Review status: criteria provided, single submitter. Criteria: Invitae Variant Classification Sherloc (09022015). Collection method: clinical testing. Allele origin: germline.

PreventionGenetics, part of Exact Sciences
Classification: Likely benign for KIDINS220-related condition. Last evaluated: 2021-07-01. Review status: no assertion criteria provided. Collection method: clinical testing. Allele origin: germline. Not counted in ClinVar's aggregate classification.
Comment: This variant is classified as likely benign based on ACMG/AMP sequence variant interpretation guidelines (Richards et al. 2015 PMID: 25741868, with internal and published modifications).

NM_020738.4(KIDINS220):c.3301G>A (p.Val1101Met)

Gene: KIDINS220 (kinase D interacting substrate 220; minus strand). Cytogenetic location: 2p25.1.
Variant type: single nucleotide variant.
Coding change: c.3301G>A on transcript NM_020738.4 (MANE Select); coding-DNA position 3301, G replaced by A.
Protein change: p.Val1101Met; replaces valine 1101 with methionine.
Molecular consequence: missense variant. On other transcripts: non-coding transcript variant (2).
Genome position (GRCh38, 1-based): chr2:8,750,225, C>T on the plus strand (G>A on the coding strand, the complement: KIDINS220 is on the minus strand). VCF-style: chr2-8750225-C-T. GRCh37 (hg19) VCF-style: chr2-8890355-C-T.
Other names: c.3304G>A, p.Val1102Met (NM_001348729.2, NM_001348731.2, NM_001348734.2 and 2 more transcripts); c.3301G>A, p.Val1101Met (NM_001348732.2, NM_001348735.2, NM_001348738.2 and 3 more transcripts); c.3175G>A, p.Val1059Met (NM_001348736.2); short protein forms V1102M, V1059M, V1101M.
Identifiers: ClinVar variation 748724 (VCV000748724.11), dbSNP rs561743411, ClinGen allele CA1519707.
Genomic context (GRCh38, chr2:8,750,225, plus strand): 5'-GAGGCTGTGGTGACACCACTCCACCTGCGAAGGGCCCATTGAAGGACGTGGAAGAGCACA[C>T]GGATGGGGGCTGGCTGTACCCTGATGGCGCCCTAGGAGGACCCTCATGTAGAGGGAGCGG-3'
Protein context (NP_065789.1, residues 1091-1111): APSGYSQPPS[Val1101Met]CSSTSFNGPF